The following is an entry in ClinVar:

NM_015046.7(SETX):c.7489A>G (p.Ser2497Gly)

Gene: SETX (senataxin; minus strand). Cytogenetic location: 9q34.13.
Variant type: single nucleotide variant.
Coding change: c.7489A>G on transcript NM_015046.7 (MANE Select); coding-DNA position 7489, A replaced by G.
Protein change: p.Ser2497Gly; replaces serine 2497 with glycine.
Molecular consequence: missense variant.
Genome position (GRCh38, 1-based): chr9:132,264,784, T>C on the plus strand (A>G on the coding strand, the complement: SETX is on the minus strand). VCF-style: chr9-132264784-T-C. GRCh37 (hg19) VCF-style: chr9-135140171-T-C.
Other names: c.7489A>G, p.Ser2497Gly (NM_001351527.2); c.7576A>G, p.Ser2526Gly (NM_001351528.2); short protein forms S2497G, S2526G.
Identifiers: ClinVar variation 3350040 (VCV003350040.1).

ClinVar aggregate classification (germline): Uncertain significance (0 of 4 stars; one submission).

Conditions:
SETX-related disorder. Also called: SETX-related condition; SETX-related disorders. Identifiers: MedGen CN239403.

gnomAD v4.1: 2 of 1,614,192 alleles (0.00012%); highest among the groups gnomAD compares: Non-Finnish European, 0.00017%; no homozygotes.

Submission:

PreventionGenetics, part of Exact Sciences
Classification: Uncertain significance for SETX-related condition. Last evaluated: 2023-12-18. Review status: no assertion criteria provided. Collection method: clinical testing. Allele origin: germline.
Comment: The SETX c.7489A>G variant is predicted to result in the amino acid substitution p.Ser2497Gly. To our knowledge, this variant has not been reported in the literature. This variant is reported in 0.00088% of alleles in individuals of European (Non-Finnish) descent in gnomAD. At this time, the clinical significance of this variant is uncertain due to the absence of conclusive functional and genetic evidence.